The following is an entry in ClinVar:

ClinVar aggregate classification (germline): Conflicting classifications of pathogenicity. Review status: criteria provided, conflicting classifications (1 of 4 stars). 2 submissions from 2 submitters: Uncertain significance (1); Likely benign (1). Last evaluated 2023-03-23.

Conditions:
Hereditary cancer-predisposing syndrome. Also called: Neoplastic Syndromes, Hereditary; Tumor predisposition; Hereditary Cancer Syndrome; Hereditary neoplastic syndrome. Identifiers: Orphanet 140162, MedGen C0027672, MeSH D009386, MONDO:0015356.

Submissions (2):

University of Washington Department of Laboratory Medicine, University of Washington
Classification: Likely benign for Hereditary cancer-predisposing syndrome. Last evaluated: 2023-03-23. Review status: criteria provided, single submitter. Criteria: Dines et al. (Genet Med. 2020). Collection method: curation. Allele origin: germline.
Comment: Missense variant in a coldspot region where missense variants are very unlikely to be pathogenic (PMID:31911673).

BRCA2 exon 11 coldspot. Reclassification based on statistical prior probability.

Ambry Genetics
Classification: Uncertain significance for Hereditary cancer-predisposing syndrome. Last evaluated: 2016-03-30. Review status: criteria provided, single submitter. Criteria: Ambry Variant Classification Scheme 2023. Collection method: clinical testing. Allele origin: germline.
Comment: The p.T1154A variant (also known as c.3460A>G), located in coding exon 10 of the BRCA2 gene, results from an A to G substitution at nucleotide position 3460. The threonine at codon 1154 is replaced by alanine, an amino acid with similar properties. This variant was not reported in population based cohorts in the following databases: Database of Single Nucleotide Polymorphisms (dbSNP), NHLBI Exome Sequencing Project (ESP), and 1000 Genomes Project. In the ESP, this variant was not observed in 6503 samples (13006 alleles) with coverage at this position. To date, this alteration has been detected with an allele frequency of approximately 0.0005% (greater than 225000 alleles tested) in our clinical cohort. This amino acid position is poorly conserved in available vertebrate species. In addition, this alteration is predicted to be tolerated by in silico analysis. Since supporting evidence is limited at this time, the clinical significance of this alteration remains unclear.

NM_000059.4(BRCA2):c.3460A>G (p.Thr1154Ala)

Gene: BRCA2 (BRCA2 DNA repair associated; plus strand). Cytogenetic location: 13q13.1.
Variant type: single nucleotide variant.
Coding change: c.3460A>G on transcript NM_000059.4 (MANE Select); coding-DNA position 3460, A replaced by G.
Protein change: p.Thr1154Ala; replaces threonine 1154 with alanine.
Molecular consequence: missense variant.
Genome position (GRCh38, 1-based): chr13:32,337,815, A>G. VCF-style: chr13-32337815-A-G. GRCh37 (hg19) VCF-style: chr13-32911952-A-G.
Other names: short protein forms T1154A.
Identifiers: ClinVar variation 481532 (VCV000481532.7), dbSNP rs1555283255, ClinGen allele CA387776739.